The following is an entry in ClinVar:

ClinVar aggregate classification (germline): Uncertain significance. Review status: criteria provided, multiple submitters, no conflicts (2 of 4 stars). 2 submissions from 2 submitters: Uncertain significance (2). Last evaluated 2022-07-12.

Conditions:
Long QT syndrome (LQTS). Identifiers: MedGen C0023976, MeSH D008133, MONDO:0002442. Disease mechanism: loss of function. Inheritance: Various modes of inheritance.

Allele frequency attached by ClinVar (database versions not stated): gnomAD 0.00001.
gnomAD v4.1: 2 of 1,613,952 alleles (0.00012%); highest among the groups gnomAD compares: Admixed American, 0.0033%; no homozygotes.

Submissions (2):

Labcorp Genetics (formerly Invitae), Labcorp
Classification: Uncertain significance for Long QT syndrome. Last evaluated: 2022-07-12. Review status: criteria provided, single submitter. Criteria: Invitae Variant Classification Sherloc (09022015). Collection method: clinical testing. Allele origin: germline.
Comment: In summary, the available evidence is currently insufficient to determine the role of this variant in disease. Therefore, it has been classified as a Variant of Uncertain Significance. This sequence change replaces aspartic acid, which is acidic and polar, with asparagine, which is neutral and polar, at codon 1946 of the ANK2 protein (p.Asp1946Asn). This variant is present in population databases (no rsID available, gnomAD 0.006%). This variant has not been reported in the literature in individuals affected with ANK2-related conditions. ClinVar contains an entry for this variant (Variation ID: 1499807). Algorithms developed to predict the effect of missense changes on protein structure and function (SIFT, PolyPhen-2, Align-GVGD) all suggest that this variant is likely to be tolerated.

Revvity Omics, Revvity
Classification: Uncertain significance. Last evaluated: 2021-05-06. Review status: criteria provided, single submitter. Criteria: ACMG Guidelines, 2015. Collection method: clinical testing. Allele origin: germline.

NM_001148.6(ANK2):c.5836G>A (p.Asp1946Asn)

Genes: ANK2 (ankyrin 2; plus strand), LOC126807136 (MED14-independent group 3 enhancer GRCh37_chr4:114274931-114276130; plus strand). Cytogenetic location: 4q26.
Variant type: single nucleotide variant.
Coding change: c.5836G>A on transcript NM_001148.6 (MANE Select); coding-DNA position 5836, G replaced by A.
Protein change: p.Asp1946Asn; replaces aspartic acid 1946 with asparagine.
Molecular consequence: missense variant. On other transcripts: intron variant (68).
Genome position (GRCh38, 1-based): chr4:113,354,454, G>A. VCF-style: chr4-113354454-G-A. GRCh37 (hg19) VCF-style: chr4-114275610-G-A.
Other names: c.5602G>A, p.Asp1868Asn (NM_001386142.1); c.2236G>A, p.Asp746Asn (NM_001386166.1); c.5977G>A, p.Asp1993Asn (NM_001386174.1); c.5953G>A, p.Asp1985Asn (NM_001386175.1); c.4411+4205G>A (NM_001386186.2, NM_001386148.2); c.4213+4205G>A (NM_001354269.3); c.4291+4205G>A (NM_001386187.2); c.4252+4205G>A (NM_001386147.1); and 35 more; short protein forms D1993N, D746N, D1946N, D1985N, D1868N.
Identifiers: ClinVar variation 1499807 (VCV001499807.9), dbSNP rs200333546, ClinGen allele CA357921377.